The following is an entry in ClinVar:

NM_000429.3(MAT1A):c.1006G>A (p.Gly336Arg)

Gene: MAT1A (methionine adenosyltransferase 1A; minus strand). Cytogenetic location: 10q22.3.
Variant type: single nucleotide variant.
Coding change: c.1006G>A on transcript NM_000429.3 (MANE Select); coding-DNA position 1006, G replaced by A.
Protein change: p.Gly336Arg; replaces glycine 336 with arginine.
Molecular consequence: missense variant.
Genome position (GRCh38, 1-based): chr10:80,274,599, C>T on the plus strand (G>A on the coding strand, the complement: MAT1A is on the minus strand). VCF-style: chr10-80274599-C-T. GRCh37 (hg19) VCF-style: chr10-82034355-C-T.
Other names: short protein forms G336R.
Identifiers: ClinVar variation 1211 (VCV000001211.4), dbSNP rs118204006, ClinGen allele CA114842.

ClinVar aggregate classification (germline): Conflicting classifications of pathogenicity. Review status: criteria provided, conflicting classifications (1 of 4 stars). 3 submissions from 3 submitters: Likely pathogenic (1); Uncertain significance (1). 1 of the submissions does not count toward it. Last evaluated 2024-12-19.

Conditions:
Hepatic methionine adenosyltransferase deficiency. Also called: Isolated Persistent Hypermethioninemia; Methionine adenosyltransferase deficiency; Deficiency of methionine adenosyltransferase; MAT I/III DEFICIENCY. Identifiers: Orphanet 168598, MedGen C0268621, MeSH C564683, MONDO:0009607, OMIM 250850.

Allele frequency attached by ClinVar (database versions not stated): gnomAD exomes 0.00001; ExAC 0.00002.
gnomAD v4.1: 11 of 1,614,190 alleles (0.00068%); highest among the groups gnomAD compares: Middle Eastern, 0.016%; no homozygotes.

Submissions (3):

Genomic Medicine Center of Excellence, King Faisal Specialist Hospital and Research Centre
Classification: Likely pathogenic. Last evaluated: 2024-12-19. Review status: criteria provided, single submitter. Criteria: ACMG Guidelines, 2015. Collection method: clinical testing. Allele origin: germline.

Women's Health and Genetics/Laboratory Corporation of America, LabCorp
Classification: Uncertain significance. Last evaluated: 2024-09-10. Review status: criteria provided, single submitter. Criteria: LabCorp Variant Classification Summary - May 2015. Collection method: clinical testing. Allele origin: germline.
Comment: Variant summary: MAT1A c.1006G>A (p.Gly336Arg) results in a non-conservative amino acid change located in the S-adenosylmethionine synthetase, C-terminal domain (IPR022630) of the encoded protein sequence. Five of five in-silico tools predict a damaging effect of the variant on protein function. The variant allele was found at a frequency of 8e-06 in 251470 control chromosomes (gnomAD). c.1006G>A has been reported in the literature in at least an individual affected with hypermethioninemia (example: Chamberlin_2000). These data do not allow any conclusion about variant significance. In vitro functional studies show reduced activity for the variant (Chamberlin_2000). The following publication has been ascertained in the context of this evaluation (PMID: 10677294). ClinVar contains an entry for this variant (Variation ID: 1211). Based on the evidence outlined above, the variant was classified as VUS-possibly pathogenic.

OMIM
Classification: Pathogenic for METHIONINE ADENOSYLTRANSFERASE I/III DEFICIENCY, AUTOSOMAL RECESSIVE. Last evaluated: 2000-02-01. Review status: no assertion criteria provided. Collection method: literature only. Allele origin: germline. Not counted in ClinVar's aggregate classification.

Literature cited by the submitters: PubMed 10677294 (cited by Women's Health and Genetics/Laboratory Corporation of America, LabCorp and OMIM).